The following is an entry in ClinVar:

ClinVar aggregate classification (germline): Conflicting classifications of pathogenicity. Review status: criteria provided, conflicting classifications (1 of 4 stars). 6 submissions from 6 submitters: Uncertain significance (4); Likely benign (2). Last evaluated 2026-08-06.

Conditions:
Hereditary cancer-predisposing syndrome. Also called: Tumor predisposition; Neoplastic Syndromes, Hereditary; Hereditary Cancer Syndrome; Hereditary neoplastic syndrome. Identifiers: Orphanet 140162, MedGen C0027672, MeSH D009386, MONDO:0015356.
Intellectual disability, autosomal dominant 16 (CSS4). Also called: COFFIN-SIRIS SYNDROME 4. Identifiers: Orphanet 1465, MedGen C3553249, MONDO:0013821, OMIM 614609.
Rhabdoid tumor predisposition syndrome 2 (RTPS2). Identifiers: Orphanet 231108, Orphanet 69077, MedGen C2750074, MONDO:0013224, OMIM 613325.

Allele frequency attached by ClinVar (database versions not stated): TOPMed below 0.00001; gnomAD 0.00003; gnomAD exomes below 0.00001.
gnomAD v4.1: 4 of 1,614,220 alleles (0.00025%); highest among the groups gnomAD compares: Non-Finnish European, 0.00034%; no homozygotes.

Submissions (6):

OLLIN Analises Genomicas, OLLIN
Classification: Uncertain significance for Rhabdoid tumor predisposition syndrome 2. Last evaluated: 2026-08-06. Review status: criteria provided, single submitter. Criteria: ACMG Guidelines 2015 PMID 25741868. Collection method: clinical testing. Allele origin: germline. Inheritance: Autosomal dominant inheritance.
Comment: This missense variant, located in exon 10 (of 35), has been reported in ClinVar (accession VCV000436810.21) and in gnomAD with an allele frequency of 0.00025%. However, to our knowledge, it has not been reported in the scientific literature. In silico analysis predicts that this variant has a tolerated effect. This gene is constrained for missense variation. According to the currently available evidence, this variant has been classified as uncertain significance (PM2_P, PP2, BP4_M).

Labcorp Genetics (formerly Invitae), Labcorp
Classification: Uncertain significance for Rhabdoid tumor predisposition syndrome 2. Last evaluated: 2025-09-14. Review status: criteria provided, single submitter. Criteria: Invitae Variant Classification Sherloc (09022015). Collection method: clinical testing. Allele origin: germline.
Comment: This sequence change replaces lysine, which is basic and polar, with arginine, which is basic and polar, at codon 583 of the SMARCA4 protein (p.Lys583Arg). This variant is present in population databases (no rsID available, gnomAD 0.007%). This variant has not been reported in the literature in individuals affected with SMARCA4-related conditions. ClinVar contains an entry for this variant (Variation ID: 436810). An algorithm developed to predict the effect of missense changes on protein structure and function (PolyPhen-2) suggests that this variant is likely to be tolerated. In summary, the available evidence is currently insufficient to determine the role of this variant in disease. Therefore, it has been classified as a Variant of Uncertain Significance.

Baylor Genetics
Classification: Uncertain significance for Rhabdoid tumor predisposition syndrome 2. Last evaluated: 2024-02-12. Review status: criteria provided, single submitter. Criteria: ACMG Guidelines, 2015. Collection method: clinical testing. Allele origin: unknown.

Ambry Genetics
Classification: Likely benign for Hereditary cancer-predisposing syndrome. Last evaluated: 2023-08-10. Review status: criteria provided, single submitter. Criteria: Ambry Variant Classification Scheme 2023. Collection method: clinical testing. Allele origin: germline.

Genome-Nilou Lab
Classification: Uncertain significance for Intellectual disability, autosomal dominant 16. Last evaluated: 2021-07-15. Review status: criteria provided, single submitter. Criteria: ACMG Guidelines, 2015. Collection method: clinical testing. Allele origin: germline. Affected: no.

Genetic Services Laboratory, University of Chicago
Classification: Likely benign. Last evaluated: 2015-12-21. Review status: criteria provided, single submitter. Criteria: ACMG Guidelines, 2015. Collection method: clinical testing. Allele origin: germline. Affected: no.

NM_003072.5(SMARCA4):c.1748A>G (p.Lys583Arg)

Gene: SMARCA4 (SWI/SNF related BAF chromatin remodeling complex subunit ATPase 4; plus strand). Cytogenetic location: 19p13.2.
Variant type: single nucleotide variant.
Coding change: c.1748A>G on transcript NM_003072.5 (MANE Select); coding-DNA position 1748, A replaced by G.
Protein change: p.Lys583Arg; replaces lysine 583 with arginine.
Molecular consequence: missense variant. On other transcripts: non-coding transcript variant (1).
Genome position (GRCh38, 1-based): chr19:10,996,367, A>G. VCF-style: chr19-10996367-A-G. GRCh37 (hg19) VCF-style: chr19-11107043-A-G.
Other names: c.1748A>G, p.Lys583Arg (NM_001128844.3, NM_001128845.2, NM_001128846.2 and 5 more transcripts); short protein forms K583R.
Identifiers: ClinVar variation 436810 (VCV000436810.22), dbSNP rs1043517699, ClinGen allele CA305291301.